The following is an entry in ClinVar:

ClinVar aggregate classification (germline): Uncertain significance (1 of 4 stars; one submission).

Conditions:
Xeroderma pigmentosum, group F (XPF). Also called: ERCC4-Related Xeroderma Pigmentosum; XERODERMA PIGMENTOSUM, TYPE F; Xeroderma pigmentosum, type 6; XERODERMA PIGMENTOSUM, COMPLEMENTATION GROUP F; XERODERMA PIGMENTOSUM VI; XP, GROUP F. Identifiers: MedGen C0268140, MONDO:0010215, OMIM 278760.
Cockayne syndrome. Identifiers: Orphanet 191, MedGen C0009207, MONDO:0016006.
Fanconi anemia complementation group Q. Identifiers: Orphanet 84, MedGen C3808988, MONDO:0014108, OMIM 615272.

Submission:

Labcorp Genetics (formerly Invitae), Labcorp
Classification: Uncertain significance for Fanconi anemia complementation group Q; Xeroderma pigmentosum, group F; Cockayne syndrome. Last evaluated: 2022-06-12. Review status: criteria provided, single submitter. Criteria: Invitae Variant Classification Sherloc (09022015). Collection method: clinical testing. Allele origin: germline.
Comment: In summary, the available evidence is currently insufficient to determine the role of this variant in disease. Therefore, it has been classified as a Variant of Uncertain Significance. Algorithms developed to predict the effect of missense changes on protein structure and function are either unavailable or do not agree on the potential impact of this missense change (SIFT: "Tolerated"; PolyPhen-2: "Possibly Damaging"; Align-GVGD: "Class C0"). This variant has not been reported in the literature in individuals affected with ERCC4-related conditions. This variant is not present in population databases (gnomAD no frequency). This sequence change replaces histidine, which is basic and polar, with tyrosine, which is neutral and polar, at codon 177 of the ERCC4 protein (p.His177Tyr).

NM_005236.3(ERCC4):c.529C>T (p.His177Tyr)

Gene: ERCC4 (ERCC excision repair 4, endonuclease catalytic subunit; plus strand). Cytogenetic location: 16p13.12.
Variant type: single nucleotide variant.
Coding change: c.529C>T on transcript NM_005236.3 (MANE Select); coding-DNA position 529, C replaced by T.
Protein change: p.His177Tyr; replaces histidine 177 with tyrosine.
Molecular consequence: missense variant.
Genome position (GRCh38, 1-based): chr16:13,926,701, C>T. VCF-style: chr16-13926701-C-T. GRCh37 (hg19) VCF-style: chr16-14020558-C-T.
Other names: short protein forms H177Y.
Identifiers: ClinVar variation 2005321 (VCV002005321.4), dbSNP rs2141944854, ClinGen allele CA394801531.